The following is an entry in ClinVar:

ClinVar aggregate classification (germline): Benign/Likely benign. Review status: criteria provided, multiple submitters, no conflicts (2 of 4 stars). 6 submissions from 6 submitters: Benign (3); Likely benign (2). 1 of the submissions does not count toward it. Last evaluated 2026-02-01.

Conditions:
ABCA4-related disorder. Also called: ABCA4-related disorders; ABCA4-related condition. Identifiers: MedGen CN239167.

Allele frequency attached by ClinVar (database versions not stated): gnomAD exomes 0.00153 and 0.00375; ExAC 0.00467; gnomAD 0.01322 and 0.01415; ESP Exome Variant Server 0.01392; TOPMed 0.01510; 1000 Genomes Project 30x 0.01796; 1000 Genomes Project 0.01917.
gnomAD v4.1: 4,423 of 1,614,138 alleles (0.27%); highest among the groups gnomAD compares: African/African-American, 4.8%; 91 homozygotes.

Submissions (6):

Labcorp Genetics (formerly Invitae), Labcorp
Classification: Benign. Last evaluated: 2026-02-01. Review status: criteria provided, single submitter. Criteria: Invitae Variant Classification Sherloc (09022015). Collection method: clinical testing. Allele origin: germline.

ARUP Laboratories, Molecular Genetics and Genomics, ARUP Laboratories
Classification: Benign. Last evaluated: 2022-09-13. Review status: criteria provided, single submitter. Criteria: ARUP Molecular Germline Variant Investigation Process 2021. Collection method: clinical testing. Allele origin: germline.

Illumina Laboratory Services, Illumina
Classification: Likely benign for ABCA4-Related Disorders. Last evaluated: 2017-04-27. Review status: criteria provided, single submitter. Criteria: ICSL Variant Classification Criteria 13 December 2019. Collection method: clinical testing. Allele origin: germline.
Comment: This variant was observed as part of a predisposition screen in an ostensibly healthy population. A literature search was performed for the gene, cDNA change, and amino acid change (where applicable). No publications were found based on this search. Allele frequency data from public databases allowed determination this variant is unlikely to cause disease. Therefore, this variant is classified as likely benign.

GeneDx
Classification: Benign. Last evaluated: 2011-07-18. Review status: criteria provided, single submitter. Criteria: GeneDx Variant Classification (06012015). Collection method: clinical testing. Allele origin: germline. Affected: yes.
Comment: This variant is considered likely benign or benign based on one or more of the following criteria: it is a conservative change, it occurs at a poorly conserved position in the protein, it is predicted to be benign by multiple in silico algorithms, and/or has population frequency not consistent with disease.

Breakthrough Genomics
Classification: Likely benign. Review status: criteria provided, single submitter. Criteria: ACMG Guidelines, 2015. Collection method: not provided. Allele origin: germline. Inheritance: Autosomal recessive inheritance. Affected: yes.

Retina International
No classification provided. Review status: no classification provided. Collection method: not provided. Allele origin: not provided. Not counted in ClinVar's aggregate classification.

NM_000350.3(ABCA4):c.2964C>T (p.Leu988=)

Gene: ABCA4 (ATP binding cassette subfamily A member 4; minus strand). Cytogenetic location: 1p22.1.
Variant type: single nucleotide variant.
Coding change: c.2964C>T on transcript NM_000350.3 (MANE Select); coding-DNA position 2964, C replaced by T.
Protein change: p.Leu988=; no amino-acid change (leucine 988 retained).
Molecular consequence: synonymous variant.
Genome position (GRCh38, 1-based): chr1:94,044,699, G>A on the plus strand (C>T on the coding strand, the complement: ABCA4 is on the minus strand). VCF-style: chr1-94044699-G-A. GRCh37 (hg19) VCF-style: chr1-94510255-G-A.
Other names: p.L988L:CTC>CTT; c.2742C>T, p.Leu914= (NM_001425324.1).
Identifiers: ClinVar variation 99179 (VCV000099179.25), dbSNP rs61754034, ClinGen allele CA285815.